The following is an entry in ClinVar:

NM_005732.4(RAD50):c.653A>G (p.Glu218Gly)

Gene: RAD50 (RAD50 double strand break repair protein; plus strand). Cytogenetic location: 5q31.1.
Variant type: single nucleotide variant.
Coding change: c.653A>G on transcript NM_005732.4 (MANE Select); coding-DNA position 653, A replaced by G.
Protein change: p.Glu218Gly; replaces glutamic acid 218 with glycine.
Molecular consequence: missense variant.
Genome position (GRCh38, 1-based): chr5:132,579,963, A>G. VCF-style: chr5-132579963-A-G. GRCh37 (hg19) VCF-style: chr5-131915655-A-G.
Other names: c.653A>G (NM_005732.3); short protein forms E218G.
Identifiers: ClinVar variation 1716648 (VCV001716648.7), dbSNP rs2479617445, ClinGen allele CA360936185.

ClinVar aggregate classification (germline): Uncertain significance. Review status: criteria provided, multiple submitters, no conflicts (2 of 4 stars). 2 submissions from 2 submitters: Uncertain significance (2). Last evaluated 2025-02-15.

Conditions:
Hereditary cancer-predisposing syndrome. Also called: Hereditary neoplastic syndrome; Neoplastic Syndromes, Hereditary; Hereditary Cancer Syndrome; Tumor predisposition. Identifiers: Orphanet 140162, MedGen C0027672, MeSH D009386, MONDO:0015356.

Submissions (2):

Ambry Genetics
Classification: Uncertain significance for Hereditary cancer-predisposing syndrome. Last evaluated: 2025-02-15. Review status: criteria provided, single submitter. Criteria: Ambry Variant Classification Scheme 2023. Collection method: clinical testing. Allele origin: germline.
Comment: The p.E218G variant (also known as c.653A>G), located in coding exon 5 of the RAD50 gene, results from an A to G substitution at nucleotide position 653. The glutamic acid at codon 218 is replaced by glycine, an amino acid with similar properties. This amino acid position is conserved. In addition, the in silico prediction for this alteration is inconclusive. Based on the available evidence, the clinical significance of this variant remains unclear.

Labcorp Genetics (formerly Invitae), Labcorp
Classification: Uncertain significance for Hereditary cancer-predisposing syndrome. Last evaluated: 2022-08-17. Review status: criteria provided, single submitter. Criteria: Invitae Variant Classification Sherloc (09022015). Collection method: clinical testing. Allele origin: germline.
Comment: This variant has not been reported in the literature in individuals affected with RAD50-related conditions. This sequence change replaces glutamic acid, which is acidic and polar, with glycine, which is neutral and non-polar, at codon 218 of the RAD50 protein (p.Glu218Gly). This variant is not present in population databases (gnomAD no frequency). Algorithms developed to predict the effect of missense changes on protein structure and function are either unavailable or do not agree on the potential impact of this missense change (SIFT: "Deleterious"; PolyPhen-2: "Probably Damaging"; Align-GVGD: "Class C0"). In summary, the available evidence is currently insufficient to determine the role of this variant in disease. Therefore, it has been classified as a Variant of Uncertain Significance.